The following is an entry in ClinVar:

NM_032888.4(COL27A1):c.2988G>A (p.Met996Ile)

Gene: COL27A1 (collagen type XXVII alpha 1 chain; plus strand). Cytogenetic location: 9q32.
Variant type: single nucleotide variant.
Coding change: c.2988G>A on transcript NM_032888.4 (MANE Select); coding-DNA position 2988, G replaced by A.
Protein change: p.Met996Ile; replaces methionine 996 with isoleucine.
Molecular consequence: missense variant.
Genome position (GRCh38, 1-based): chr9:114,250,623, G>A. VCF-style: chr9-114250623-G-A. GRCh37 (hg19) VCF-style: chr9-117012903-G-A.
Other names: short protein forms M996I.
Identifiers: ClinVar variation 769355 (VCV000769355.35), dbSNP rs143876527, ClinGen allele CA5202207.

ClinVar aggregate classification (germline): Likely benign. Review status: criteria provided, multiple submitters, no conflicts (2 of 4 stars). 4 submissions from 4 submitters: Likely benign (3). 1 of the submissions does not count toward it. Last evaluated 2026-01-28.

Conditions:
COL27A1-related disorder. Also called: COL27A1-related condition.

Allele frequency attached by ClinVar (database versions not stated): 1000 Genomes Project 30x 0.00109; 1000 Genomes Project 0.00120; gnomAD exomes 0.00231 and 0.00410; ExAC 0.00248; gnomAD 0.00264 and 0.00271; TOPMed 0.00272; ESP Exome Variant Server 0.00308.
gnomAD v4.1: 6,292 of 1,611,886 alleles (0.39%); highest among the groups gnomAD compares: Non-Finnish European, 0.5%; 21 homozygotes.

Submissions (4):

Labcorp Genetics (formerly Invitae), Labcorp
Classification: Likely benign. Last evaluated: 2026-01-28. Review status: criteria provided, single submitter. Criteria: Invitae Variant Classification Sherloc (09022015). Collection method: clinical testing. Allele origin: germline.

CeGaT Center for Human Genetics Tuebingen
Classification: Likely benign. Last evaluated: 2025-11-01. Review status: criteria provided, single submitter. Criteria: CeGaT Center For Human Genetics Tuebingen Variant Classification Criteria Version 2. Collection method: clinical testing. Allele origin: germline. Affected: yes. Observed: 4 variant alleles.
Comment: COL27A1: BP4, BS2

Blueprint Genetics
Classification: Likely benign. Last evaluated: 2024-11-14. Review status: criteria provided, single submitter. Criteria: ACMG Guidelines, 2015. Collection method: clinical testing. Allele origin: germline.

PreventionGenetics, part of Exact Sciences
Classification: Likely benign for COL27A1-related condition. Last evaluated: 2022-02-10. Review status: no assertion criteria provided. Collection method: clinical testing. Allele origin: germline. Not counted in ClinVar's aggregate classification.
Comment: This variant is classified as likely benign based on ACMG/AMP sequence variant interpretation guidelines (Richards et al. 2015 PMID: 25741868, with internal and published modifications).